The following is an entry in ClinVar:

NM_006231.4(POLE):c.1594C>T (p.His532Tyr)

Gene: POLE (DNA polymerase epsilon, catalytic subunit; minus strand). Cytogenetic location: 12q24.33.
Variant type: single nucleotide variant.
Coding change: c.1594C>T on transcript NM_006231.4 (MANE Select); coding-DNA position 1594, C replaced by T.
Protein change: p.His532Tyr; replaces histidine 532 with tyrosine.
Molecular consequence: missense variant.
Genome position (GRCh38, 1-based): chr12:132,672,719, G>A on the plus strand (C>T on the coding strand, the complement: POLE is on the minus strand). VCF-style: chr12-132672719-G-A. GRCh37 (hg19) VCF-style: chr12-133249305-G-A.
Other names: short protein forms H532Y.
Identifiers: ClinVar variation 1775984 (VCV001775984.5), dbSNP rs2542134965, ClinGen allele CA387356876.

ClinVar aggregate classification (germline): Uncertain significance. Review status: criteria provided, multiple submitters, no conflicts (2 of 4 stars). 2 submissions from 2 submitters: Uncertain significance (2). Last evaluated 2025-01-29.

Conditions:
Hereditary cancer-predisposing syndrome. Also called: Neoplastic Syndromes, Hereditary; Tumor predisposition; Hereditary Cancer Syndrome; Hereditary neoplastic syndrome. Identifiers: Orphanet 140162, MedGen C0027672, MeSH D009386, MONDO:0015356.

Allele frequency attached by ClinVar (database versions not stated): gnomAD exomes below 0.00001.
gnomAD v4.1: 1 of 1,614,170 alleles (0.000062%); highest among the groups gnomAD compares: South Asian, 0.0011%; no homozygotes.

Submissions (2):

Labcorp Genetics (formerly Invitae), Labcorp
Classification: Uncertain significance. Last evaluated: 2025-01-29. Review status: criteria provided, single submitter. Criteria: Invitae Variant Classification Sherloc (09022015). Collection method: clinical testing. Allele origin: germline.
Comment: This sequence change replaces histidine, which is basic and polar, with tyrosine, which is neutral and polar, at codon 532 of the POLE protein (p.His532Tyr). This variant is not present in population databases (gnomAD no frequency). This variant has not been reported in the literature in individuals affected with POLE-related conditions. ClinVar contains an entry for this variant (Variation ID: 1775984). Invitae Evidence Modeling of protein sequence and biophysical properties (such as structural, functional, and spatial information, amino acid conservation, physicochemical variation, residue mobility, and thermodynamic stability) indicates that this missense variant is expected to disrupt POLE protein function with a positive predictive value of 80%. In summary, the available evidence is currently insufficient to determine the role of this variant in disease. Therefore, it has been classified as a Variant of Uncertain Significance.

Ambry Genetics
Classification: Uncertain significance for Hereditary cancer-predisposing syndrome. Last evaluated: 2022-03-03. Review status: criteria provided, single submitter. Criteria: Ambry Variant Classification Scheme 2023. Collection method: clinical testing. Allele origin: germline.
Comment: The p.H532Y variant (also known as c.1594C>T), located in coding exon 15 of the POLE gene, results from a C to T substitution at nucleotide position 1594. The histidine at codon 532 is replaced by tyrosine, an amino acid with similar properties. This amino acid position is conserved. In addition, the in silico prediction for this alteration is inconclusive. Since supporting evidence is limited at this time, the clinical significance of this alteration remains unclear.